The following is an entry in ClinVar:

NM_001015880.2(PAPSS2):c.1417G>T (p.Glu473Ter)

Gene: PAPSS2 (3'-phosphoadenosine 5'-phosphosulfate synthase 2; plus strand). Cytogenetic location: 10q23.31.
Variant type: single nucleotide variant.
Coding change: c.1417G>T on transcript NM_001015880.2 (MANE Select); coding-DNA position 1417, G replaced by T.
Protein change: p.Glu473Ter; replaces glutamic acid 473 with a stop codon.
Molecular consequence: nonsense.
Genome position (GRCh38, 1-based): chr10:87,743,567, G>T. VCF-style: chr10-87743567-G-T. GRCh37 (hg19) VCF-style: chr10-89503324-G-T.
Other names: c.1402G>T, p.Glu468Ter (NM_004670.4); short protein forms E473*, E468*.
Identifiers: ClinVar variation 4743834 (VCV004743834.1).

ClinVar aggregate classification (germline): Pathogenic (1 of 4 stars; one submission).

Conditions:
Spondyloepimetaphyseal dysplasia, PAPSS2 type. Also called: SEMD, PAKISTANI TYPE; BRACHYOLMIA TYPE 4 WITH MILD EPIPHYSEAL AND METAPHYSEAL CHANGES; SPONDYLODYSPLASIA AND PREMATURE PUBARCHE. Identifiers: Orphanet 93282, MedGen C2748516, MONDO:0019666, OMIM 612847.

gnomAD v4.1: 6 of 1,614,178 alleles (0.00037%); highest among the groups gnomAD compares: Non-Finnish European, 0.00051%; no homozygotes.

Submission:

Labcorp Genetics (formerly Invitae), Labcorp
Classification: Pathogenic for Spondyloepimetaphyseal dysplasia, PAPSS2 type. Last evaluated: 2025-07-06. Review status: criteria provided, single submitter. Criteria: Invitae Variant Classification Sherloc (09022015). Collection method: clinical testing. Allele origin: germline.
Comment: This sequence change creates a premature translational stop signal (p.Glu473*) in the PAPSS2 gene. It is expected to result in an absent or disrupted protein product. Loss-of-function variants in PAPSS2 are known to be pathogenic (PMID: 22791835, 23633440). This variant is present in population databases (rs528197652, gnomAD 0.0009%). This variant has not been reported in the literature in individuals affected with PAPSS2-related conditions. Algorithms developed to predict the effect of sequence changes on RNA splicing suggest that this variant may create or strengthen a splice site. For these reasons, this variant has been classified as Pathogenic.

Literature cited by the submitters: PubMed 22791835; PubMed 23633440.